The following is an entry in ClinVar:

NM_000186.4(CFH):c.242A>C (p.Gln81Pro)

Gene: CFH (complement factor H; plus strand). Cytogenetic location: 1q31.3.
Variant type: single nucleotide variant.
Coding change: c.242A>C on transcript NM_000186.4 (MANE Select); coding-DNA position 242, A replaced by C.
Protein change: p.Gln81Pro; replaces glutamine 81 with proline.
Molecular consequence: missense variant.
Genome position (GRCh38, 1-based): chr1:196,673,161, A>C. VCF-style: chr1-196673161-A-C. GRCh37 (hg19) VCF-style: chr1-196642291-A-C.
Other names: c.242A>C, p.Gln81Pro (NM_001014975.3); short protein forms Q81P.
Identifiers: ClinVar variation 3720266 (VCV003720266.3).

ClinVar aggregate classification (germline): Conflicting classifications of pathogenicity. Review status: criteria provided, conflicting classifications (1 of 4 stars). 2 submissions from 2 submitters: Likely pathogenic (1); Uncertain significance (1). Last evaluated 2025-10-02.

Conditions:
Atypical hemolytic-uremic syndrome. Identifiers: Orphanet 2134, MedGen C2931788, MONDO:0016244.

Submissions (2):

Genomenon, Inc
Classification: Likely pathogenic for Atypical hemolytic-uremic syndrome. Last evaluated: 2025-10-02. Review status: criteria provided, single submitter. Criteria: Genomenon Sequence Variant Interpretation Standards - Updated. Collection method: curation. Allele origin: germline. Affected: yes.
Comment: CFH p.Gln81Pro (c.242A>C) is a missense variant that changes the amino acid at residue 81 from Glutamine to Proline. This variant has been observed in at least one proband affected with atypical hemolytic-uremic syndrome (PMID:28858176;20203157;28596415;23307876). At least one functional study has demonstrated a substantial alteration in protein function relative to the wild-type (PMID:33519811;34189567). It is absent or not present at a significant frequency in gnomAD. In silico models agree that this variant is not damaging. In conclusion, we classify CFH p.Gln81Pro (c.242A>C) as a likely pathogenic variant.

Labcorp Genetics (formerly Invitae), Labcorp
Classification: Uncertain significance. Last evaluated: 2024-04-25. Review status: criteria provided, single submitter. Criteria: Invitae Variant Classification Sherloc (09022015). Collection method: clinical testing. Allele origin: germline.
Comment: This sequence change replaces glutamine, which is neutral and polar, with proline, which is neutral and non-polar, at codon 81 of the CFH protein (p.Gln81Pro). This variant is not present in population databases (gnomAD no frequency). This missense change has been observed in individual(s) with pregnancy-associated hemolytic uremic syndrome (PMID: 20203157). An algorithm developed to predict the effect of missense changes on protein structure and function (PolyPhen-2) suggests that this variant is likely to be disruptive. Experimental studies have shown that this missense change affects CFH function (PMID: 33519811, 34189567). In summary, the available evidence is currently insufficient to determine the role of this variant in disease. Therefore, it has been classified as a Variant of Uncertain Significance.

Literature cited by the submitters: PubMed 28858176 (cited by Genomenon, Inc); PubMed 20203157 (cited by Genomenon, Inc and Labcorp Genetics (formerly Invitae), Labcorp); PubMed 28596415 (cited by Genomenon, Inc); PubMed 23307876 (cited by Genomenon, Inc); PubMed 33519811 (cited by Genomenon, Inc and Labcorp Genetics (formerly Invitae), Labcorp); PubMed 34189567 (cited by Genomenon, Inc and Labcorp Genetics (formerly Invitae), Labcorp).